The following is an entry in ClinVar:

ClinVar aggregate classification (germline): Likely benign. Review status: criteria provided, multiple submitters, no conflicts (2 of 4 stars). 2 submissions from 2 submitters: Likely benign (2). Last evaluated 2026-06-18.

Conditions:
EFEMP1-related disorder. Also called: EFEMP1-related condition.

gnomAD v4.1: 73 of 1,613,604 alleles (0.0045%); highest among the groups gnomAD compares: Non-Finnish European, 0.0061%; no homozygotes.

Submissions (2):

PreventionGenetics, part of Exact Sciences
Classification: Likely benign for EFEMP1-related condition. Last evaluated: 2026-06-18. Review status: criteria provided, single submitter. Criteria: ACMG Guidelines, 2015. Collection method: clinical testing. Allele origin: germline.
Comment: This variant is classified as likely benign based on ACMG/AMP sequence variant interpretation guidelines (Richards et al. 2015 PMID: 25741868, with internal and published modifications).

Labcorp Genetics (formerly Invitae), Labcorp
Classification: Likely benign. Last evaluated: 2025-03-17. Review status: criteria provided, single submitter. Criteria: Invitae Variant Classification Sherloc (09022015). Collection method: clinical testing. Allele origin: germline.

NM_001039348.3(EFEMP1):c.1104C>A (p.Pro368=)

Gene: EFEMP1 (EGF-like fibulin extracellular matrix protein 1; minus strand). Cytogenetic location: 2p16.1.
Variant type: single nucleotide variant.
Coding change: c.1104C>A on transcript NM_001039348.3 (MANE Select); coding-DNA position 1104, C replaced by A.
Protein change: p.Pro368=; no amino-acid change (proline 368 retained).
Molecular consequence: synonymous variant.
Genome position (GRCh38, 1-based): chr2:55,871,020, G>T on the plus strand (C>A on the coding strand, the complement: EFEMP1 is on the minus strand). VCF-style: chr2-55871020-G-T. GRCh37 (hg19) VCF-style: chr2-56098155-G-T.
Other names: c.1104C>A (NM_001039348.2); c.1104C>A, p.Pro368= (NM_001039349.3).
Identifiers: ClinVar variation 1913361 (VCV001913361.6), dbSNP rs1263965407, ClinGen allele CA426226626.